The following is an entry in ClinVar:

NM_000275.3(OCA2):c.70G>A (p.Val24Met)

Gene: OCA2 (OCA2 melanosomal transmembrane protein; minus strand). Cytogenetic location: 15q13.1.
Variant type: single nucleotide variant.
Coding change: c.70G>A on transcript NM_000275.3 (MANE Select); coding-DNA position 70, G replaced by A.
Protein change: p.Val24Met; replaces valine 24 with methionine.
Molecular consequence: missense variant.
Genome position (GRCh38, 1-based): chr15:28,081,805, C>T on the plus strand (G>A on the coding strand, the complement: OCA2 is on the minus strand). VCF-style: chr15-28081805-C-T. GRCh37 (hg19) VCF-style: chr15-28326951-C-T.
Other names: c.70G>A, p.Val24Met (NM_001300984.2); short protein forms V24M.
Identifiers: ClinVar variation 1479006 (VCV001479006.4), dbSNP rs766829294, ClinGen allele CA7439598.

ClinVar aggregate classification (germline): Uncertain significance (1 of 4 stars; one submission).

Allele frequency attached by ClinVar (database versions not stated): gnomAD exomes below 0.00001 and 0.00001; gnomAD 0.00001; ExAC 0.00002.

Submission:

Labcorp Genetics (formerly Invitae), Labcorp
Classification: Uncertain significance. Last evaluated: 2023-08-10. Review status: criteria provided, single submitter. Criteria: Invitae Variant Classification Sherloc (09022015). Collection method: clinical testing. Allele origin: germline.
Comment: This sequence change replaces valine, which is neutral and non-polar, with methionine, which is neutral and non-polar, at codon 24 of the OCA2 protein (p.Val24Met). This variant is present in population databases (rs766829294, gnomAD 0.003%). This variant has not been reported in the literature in individuals affected with OCA2-related conditions. ClinVar contains an entry for this variant (Variation ID: 1479006). Advanced modeling of protein sequence and biophysical properties (such as structural, functional, and spatial information, amino acid conservation, physicochemical variation, residue mobility, and thermodynamic stability) performed at Invitae indicates that this missense variant is not expected to disrupt OCA2 protein function. In summary, the available evidence is currently insufficient to determine the role of this variant in disease. Therefore, it has been classified as a Variant of Uncertain Significance.